The following is an entry in ClinVar:

NM_152743.4(BRAT1):c.2018G>A (p.Cys673Tyr)

Gene: BRAT1 (BRCA1 associated ATM activator 1; minus strand). Cytogenetic location: 7p22.3.
Variant type: single nucleotide variant.
Coding change: c.2018G>A on transcript NM_152743.4 (MANE Select); coding-DNA position 2018, G replaced by A.
Protein change: p.Cys673Tyr; replaces cysteine 673 with tyrosine.
Molecular consequence: missense variant. On other transcripts: non-coding transcript variant (1).
Genome position (GRCh38, 1-based): chr7:2,538,517, C>T on the plus strand (G>A on the coding strand, the complement: BRAT1 is on the minus strand). VCF-style: chr7-2538517-C-T. GRCh37 (hg19) VCF-style: chr7-2578151-C-T.
Other names: c.2198G>A, p.Cys733Tyr (NM_001350626.2); c.1493G>A, p.Cys498Tyr (NM_001350627.2); short protein forms C498Y, C733Y, C673Y.
Identifiers: ClinVar variation 2107911 (VCV002107911.4), dbSNP rs2534287300, ClinGen allele CA366624943.

ClinVar aggregate classification (germline): Uncertain significance (1 of 4 stars; one submission).

Conditions:
Neonatal-onset encephalopathy with rigidity and seizures. Also called: Lethal neonatal spasticity-epileptic encephalopathy syndrome. Identifiers: Orphanet 435845, MedGen C3281029, MONDO:0013784, OMIM 614498.

Submission:

Labcorp Genetics (formerly Invitae), Labcorp
Classification: Uncertain significance for Neonatal-onset encephalopathy with rigidity and seizures. Last evaluated: 2022-03-09. Review status: criteria provided, single submitter. Criteria: Invitae Variant Classification Sherloc (09022015). Collection method: clinical testing. Allele origin: germline.
Comment: In summary, the available evidence is currently insufficient to determine the role of this variant in disease. Therefore, it has been classified as a Variant of Uncertain Significance. Algorithms developed to predict the effect of missense changes on protein structure and function are either unavailable or do not agree on the potential impact of this missense change (SIFT: "Tolerated"; PolyPhen-2: "Possibly Damaging"; Align-GVGD: "Class C0"). This variant has not been reported in the literature in individuals affected with BRAT1-related conditions. This variant is not present in population databases (gnomAD no frequency). This sequence change replaces cysteine, which is neutral and slightly polar, with tyrosine, which is neutral and polar, at codon 673 of the BRAT1 protein (p.Cys673Tyr).